The following is an entry in ClinVar:

NM_001277115.2(DNAH11):c.8099C>A (p.Thr2700Lys)

Gene: DNAH11 (dynein axonemal heavy chain 11; plus strand). Cytogenetic location: 7p15.3.
Variant type: single nucleotide variant.
Coding change: c.8099C>A on transcript NM_001277115.2 (MANE Select); coding-DNA position 8099, C replaced by A.
Protein change: p.Thr2700Lys; replaces threonine 2700 with lysine.
Molecular consequence: missense variant.
Genome position (GRCh38, 1-based): chr7:21,742,111, C>A. VCF-style: chr7-21742111-C-A. GRCh37 (hg19) VCF-style: chr7-21781729-C-A.
Other names: short protein forms T2700K.
Identifiers: ClinVar variation 4998686 (VCV004998686.1).

ClinVar aggregate classification (germline): Uncertain significance (1 of 4 stars; one submission).

Conditions:
DNAH11-related disorder. Also called: DNAH11-related condition.

Submission:

PreventionGenetics, part of Exact Sciences
Classification: Uncertain significance for DNAH11-related condition. Last evaluated: 2026-05-14. Review status: criteria provided, single submitter. Criteria: ACMG Guidelines, 2015. Collection method: clinical testing. Allele origin: germline.
Comment: The DNAH11 c.8099C>A variant is predicted to result in the amino acid substitution p.Thr2700Lys. To our knowledge, this variant has not been reported in the literature or in a large population database (gnomAD), indicating this variant is rare. At this time, the clinical significance of this variant is uncertain due to the absence of conclusive functional and genetic evidence.